The following is an entry in ClinVar:

NM_004329.3(BMPR1A):c.1261C>T (p.His421Tyr)

Gene: BMPR1A (bone morphogenetic protein receptor type 1A; plus strand). Cytogenetic location: 10q23.2.
Variant type: single nucleotide variant.
Coding change: c.1261C>T on transcript NM_004329.3 (MANE Select); coding-DNA position 1261, C replaced by T.
Protein change: p.His421Tyr; replaces histidine 421 with tyrosine.
Molecular consequence: missense variant.
Genome position (GRCh38, 1-based): chr10:86,921,614, C>T. VCF-style: chr10-86921614-C-T. GRCh37 (hg19) VCF-style: chr10-88681371-C-T.
Other names: short protein forms H421Y.
Identifiers: ClinVar variation 529897 (VCV000529897.10), dbSNP rs1554891338, ClinGen allele CA377462147.
Genomic context (GRCh38, chr10:86,921,614, plus strand): 5'-AGGGTGGGCACCAAACGCTACATGGCTCCCGAAGTGCTGGACGAAAGCCTGAACAAAAAC[C>T]ACTTCCAGCCCTACATCATGGCTGACATCTACAGCTTCGGCCTAATCATTTGGGAGATGG-3'
Protein context (NP_004320.2, residues 411-431): EVLDESLNKN[His421Tyr]FQPYIMADIY

ClinVar aggregate classification (germline): Uncertain significance (1 of 4 stars; one submission).

Conditions:
Juvenile polyposis syndrome (JPS). Identifiers: Orphanet 2929, MedGen C0345893, MONDO:0017380, OMIM 174900.

Submission:

Labcorp Genetics (formerly Invitae), Labcorp
Classification: Uncertain significance for Juvenile polyposis syndrome. Last evaluated: 2017-11-21. Review status: criteria provided, single submitter. Criteria: Invitae Variant Classification Sherloc (09022015). Collection method: clinical testing. Allele origin: germline.
Comment: This variant has not been reported in the literature in individuals with BMPR1A-related disease. This variant is not present in population databases (ExAC no frequency). This sequence change replaces histidine with tyrosine at codon 421 of the BMPR1A protein (p.His421Tyr). The histidine residue is moderately conserved and there is a moderate physicochemical difference between histidine and tyrosine. Algorithms developed to predict the effect of missense changes on protein structure and function (SIFT, PolyPhen-2, Align-GVGD) all suggest that this variant is likely to be tolerated, but these predictions have not been confirmed by published functional studies and their clinical significance is uncertain. In summary, the available evidence is currently insufficient to determine the role of this variant in disease. Therefore, it has been classified as a Variant of Uncertain Significance.